The following is an entry in ClinVar:

ClinVar aggregate classification (germline): Uncertain significance. Review status: criteria provided, multiple submitters, no conflicts (2 of 4 stars). 5 submissions from 5 submitters: Uncertain significance (4). 1 of the submissions does not count toward it. Last evaluated 2022-10-04.

Conditions:
Glycogen storage disease, type II (IOPD). Also called: Pompe Disease; Glucosidase acid-1,4-alpha deficiency; GLYCOGENOSIS, GENERALIZED, CARDIAC FORM; GSD II; POMPE DISEASE, INFANTILE-ONSET; GLYCOGEN STORAGE DISEASE II, INFANTILE-ONSET. Identifiers: Orphanet 365, MedGen C0017921, MONDO:0009290, OMIM 232300.

Allele frequency attached by ClinVar (database versions not stated): ExAC 0.00001; gnomAD exomes 0.00001 and 0.00002; gnomAD 0.00004 and 0.00005; TOPMed 0.00004; 1000 Genomes Project 0.00020; 1000 Genomes Project 30x 0.00031.
gnomAD v4.1: 18 of 1,608,190 alleles (0.0011%); highest among the groups gnomAD compares: African/African-American, 0.0093%; no homozygotes.

Submissions (5):

Labcorp Genetics (formerly Invitae), Labcorp
Classification: Uncertain significance for Glycogen storage disease, type II. Last evaluated: 2022-10-04. Review status: criteria provided, single submitter. Criteria: Invitae Variant Classification Sherloc (09022015). Collection method: clinical testing. Allele origin: germline.
Comment: This sequence change replaces glutamic acid, which is acidic and polar, with lysine, which is basic and polar, at codon 215 of the GAA protein (p.Glu215Lys). This variant is present in population databases (rs201286896, gnomAD 0.02%). This variant has not been reported in the literature in individuals affected with GAA-related conditions. ClinVar contains an entry for this variant (Variation ID: 645053). Advanced modeling of protein sequence and biophysical properties (such as structural, functional, and spatial information, amino acid conservation, physicochemical variation, residue mobility, and thermodynamic stability) performed at Invitae indicates that this missense variant is not expected to disrupt GAA protein function. In summary, the available evidence is currently insufficient to determine the role of this variant in disease. Therefore, it has been classified as a Variant of Uncertain Significance.

Genome-Nilou Lab
Classification: Uncertain significance for Glycogen storage disease, type II. Last evaluated: 2021-09-05. Review status: criteria provided, single submitter. Criteria: ACMG Guidelines, 2015. Collection method: clinical testing. Allele origin: germline. Affected: no.

Revvity Omics, Revvity
Classification: Uncertain significance. Last evaluated: 2020-04-03. Review status: criteria provided, single submitter. Criteria: ACMG Guidelines, 2015. Collection method: clinical testing. Allele origin: germline.

GeneDx
Classification: Uncertain significance. Last evaluated: 2019-10-02. Review status: criteria provided, single submitter. Criteria: GeneDx Variant Classification Process June 2021. Collection method: clinical testing. Allele origin: germline. Affected: yes.
Comment: Not observed at a significant frequency in large population cohorts (Lek et al., 2016); In silico analysis, which includes protein predictors and evolutionary conservation, supports that this variant does not alter protein structure/function; Has not been previously published as pathogenic or benign to our knowledge

Natera, Inc.
Classification: Uncertain significance for Glycogen storage disease type II. Last evaluated: 2020-01-17. Review status: no assertion criteria provided. Collection method: clinical testing. Allele origin: germline. Not counted in ClinVar's aggregate classification.

NM_000152.5(GAA):c.643G>A (p.Glu215Lys)

Gene: GAA (alpha glucosidase; plus strand). Cytogenetic location: 17q25.3.
Variant type: single nucleotide variant.
Coding change: c.643G>A on transcript NM_000152.5 (MANE Select); coding-DNA position 643, G replaced by A.
Protein change: p.Glu215Lys; replaces glutamic acid 215 with lysine.
Molecular consequence: missense variant.
Genome position (GRCh38, 1-based): chr17:80,105,845, G>A. VCF-style: chr17-80105845-G-A. GRCh37 (hg19) VCF-style: chr17-78079644-G-A.
Other names: c.643G>A (LRG_673t1); c.643G>A, p.Glu215Lys (NM_001079803.3, NM_001079804.3); short protein forms E215K.
Identifiers: ClinVar variation 645053 (VCV000645053.11), dbSNP rs201286896, ClinGen allele CA8814952.